The following is an entry in ClinVar:

NM_005585.5(SMAD6):c.519A>T (p.Lys173Asn)

Gene: SMAD6 (SMAD family member 6; plus strand). Cytogenetic location: 15q22.31.
Variant type: single nucleotide variant.
Coding change: c.519A>T on transcript NM_005585.5 (MANE Select); coding-DNA position 519, A replaced by T.
Protein change: p.Lys173Asn; replaces lysine 173 with asparagine.
Molecular consequence: missense variant. On other transcripts: non-coding transcript variant (1).
Genome position (GRCh38, 1-based): chr15:66,703,777, A>T. VCF-style: chr15-66703777-A-T. GRCh37 (hg19) VCF-style: chr15-66996115-A-T.
Other names: short protein forms K173N.
Identifiers: ClinVar variation 2917418 (VCV002917418.3), dbSNP rs1354798920, ClinGen allele CA392949711.

ClinVar aggregate classification (germline): Uncertain significance (1 of 4 stars; one submission).

Conditions:
Aortic valve disease 2 (AOVD2). Identifiers: MedGen C3542024, MONDO:0013902, OMIM 614823.

Allele frequency attached by ClinVar (database versions not stated): gnomAD exomes below 0.00001; TOPMed 0.00001.
gnomAD v4.1: 1 of 1,433,266 alleles (0.00007%); highest among the groups gnomAD compares: Non-Finnish European, 0.000092%; no homozygotes.

Submission:

Labcorp Genetics (formerly Invitae), Labcorp
Classification: Uncertain significance for Aortic valve disease 2. Last evaluated: 2023-12-07. Review status: criteria provided, single submitter. Criteria: Invitae Variant Classification Sherloc (09022015). Collection method: clinical testing. Allele origin: germline.
Comment: This sequence change replaces lysine, which is basic and polar, with asparagine, which is neutral and polar, at codon 173 of the SMAD6 protein (p.Lys173Asn). The frequency data for this variant in the population databases is considered unreliable, as metrics indicate poor data quality at this position in the gnomAD database. This variant has not been reported in the literature in individuals affected with SMAD6-related conditions. Advanced modeling of protein sequence and biophysical properties (such as structural, functional, and spatial information, amino acid conservation, physicochemical variation, residue mobility, and thermodynamic stability) performed at Invitae indicates that this missense variant is not expected to disrupt SMAD6 protein function with a negative predictive value of 80%. In summary, the available evidence is currently insufficient to determine the role of this variant in disease. Therefore, it has been classified as a Variant of Uncertain Significance.